The following is an entry in ClinVar:

NM_016013.4(NDUFAF1):c.177G>T (p.Leu59Phe)

Gene: NDUFAF1 (NADH:ubiquinone oxidoreductase complex assembly factor 1; minus strand). Cytogenetic location: 15q15.1.
Variant type: single nucleotide variant.
Coding change: c.177G>T on transcript NM_016013.4 (MANE Select); coding-DNA position 177, G replaced by T.
Protein change: p.Leu59Phe; replaces leucine 59 with phenylalanine.
Molecular consequence: missense variant. On other transcripts: non-coding transcript variant (1).
Genome position (GRCh38, 1-based): chr15:41,396,883, C>A on the plus strand (G>T on the coding strand, the complement: NDUFAF1 is on the minus strand). VCF-style: chr15-41396883-C-A. GRCh37 (hg19) VCF-style: chr15-41689081-C-A.
Other names: short protein forms L59F.
Identifiers: ClinVar variation 3067647 (VCV003067647.21), dbSNP rs2550179626, ClinGen allele CA391810630.
Genomic context (GRCh38, chr15:41,396,883, plus strand): 5'-ATCAGGCTTCTCCTCAGAAGAAGTTATATCCAAAGCAACTTCTTTCTGGTGATCTCCTTG[C>A]AAATCCCCTTCAGTCTTCCTCTGTGAGGAGGCTTTGCCAGGAGAAGCCACTGGTTTCTGA-3'
Protein context (NP_057097.2, residues 49-69): ASSQRKTEGD[Leu59Phe]QGDHQKEVAL

ClinVar aggregate classification (germline): Uncertain significance (1 of 4 stars; one submission).

Allele frequency attached by ClinVar (database versions not stated): gnomAD exomes below 0.00001.

Submission:

CeGaT Center for Human Genetics Tuebingen
Classification: Uncertain significance. Last evaluated: 2024-03-01. Review status: criteria provided, single submitter. Criteria: CeGaT Center For Human Genetics Tuebingen Variant Classification Criteria Version 2. Collection method: clinical testing. Allele origin: germline. Affected: yes. Observed: 1 variant allele.
Comment: NDUFAF1: PM2, BP4